The following is an entry in ClinVar:

ClinVar aggregate classification (germline): Likely pathogenic (1 of 4 stars; one submission).

Conditions:
Hereditary cancer-predisposing syndrome. Also called: Hereditary Cancer Syndrome; Hereditary neoplastic syndrome; Neoplastic Syndromes, Hereditary; Tumor predisposition. Identifiers: Orphanet 140162, MedGen C0027672, MeSH D009386, MONDO:0015356.

Submission:

Ambry Genetics
Classification: Likely pathogenic for Hereditary cancer-predisposing syndrome. Last evaluated: 2025-04-22. Review status: criteria provided, single submitter. Criteria: Ambry Variant Classification Scheme 2023. Collection method: clinical testing. Allele origin: germline.
Comment: The c.114+2T>A intronic variant results from a T to A substitution two nucleotides after coding exon 1 in the NF2 gene. In silico splice site analysis predicts that this alteration will weaken the native splice donor site and may result in the creation or strengthening of a novel splice donor site. RNA studies have demonstrated that this alteration results in abnormal splicing in the set of samples tested (Ambry internal data). This variant was reported in individual(s) with features consistent with NF2-related schwannomatosis (Ambry internal data). This variant is considered to be rare based on population cohorts in the Genome Aggregation Database (gnomAD). Based on the majority of available evidence to date, this variant is likely to be pathogenic.

NM_000268.4(NF2):c.114+2T>A

Gene: NF2 (NF2, moesin-ezrin-radixin like (MERLIN) tumor suppressor; plus strand). Cytogenetic location: 22q12.2.
Variant type: single nucleotide variant.
Coding change: c.114+2T>A on transcript NM_000268.4 (MANE Select); the canonical splice donor site of the intron after coding-DNA position 114, T replaced by A.
Molecular consequence: splice donor variant.
Genome position (GRCh38, 1-based): chr22:29,604,114, T>A. VCF-style: chr22-29604114-T-A. GRCh37 (hg19) VCF-style: chr22-30000103-T-A.
Other names: c.114+2T>A (NM_016418.5, NM_181832.3, NM_001407060.1 and 15 more transcripts); c.-117+2T>A (NM_001407056.1, NM_001407053.1); c.-143+2T>A (NM_001407067.1); c.-527+2T>A (NM_001407065.1).
Identifiers: ClinVar variation 3919132 (VCV003919132.1).